The following is an entry in ClinVar:

ClinVar aggregate classification (germline): Uncertain significance. Review status: criteria provided, multiple submitters, no conflicts (2 of 4 stars). 2 submissions from 2 submitters: Uncertain significance (2). Last evaluated 2022-11-15.

Conditions:
DICER1-related tumor predisposition. Also called: DICER1-related pleuropulmonary blastoma cancer predisposition syndrome; DICER1 syndrome. Identifiers: Orphanet 284343, MedGen C3839822, MONDO:0100216.
Hereditary cancer-predisposing syndrome. Also called: Neoplastic Syndromes, Hereditary; Hereditary Cancer Syndrome; Hereditary neoplastic syndrome; Tumor predisposition. Identifiers: Orphanet 140162, MedGen C0027672, MeSH D009386, MONDO:0015356.

Submissions (2):

Labcorp Genetics (formerly Invitae), Labcorp
Classification: Uncertain significance for DICER1-related tumor predisposition. Last evaluated: 2022-11-15. Review status: criteria provided, single submitter. Criteria: Invitae Variant Classification Sherloc (09022015). Collection method: clinical testing. Allele origin: germline.
Comment: In summary, the available evidence is currently insufficient to determine the role of this variant in disease. Therefore, it has been classified as a Variant of Uncertain Significance. Advanced modeling of protein sequence and biophysical properties (such as structural, functional, and spatial information, amino acid conservation, physicochemical variation, residue mobility, and thermodynamic stability) performed at Invitae indicates that this missense variant is expected to disrupt DICER1 protein function. ClinVar contains an entry for this variant (Variation ID: 825519). This variant has not been reported in the literature in individuals affected with DICER1-related conditions. This variant is not present in population databases (gnomAD no frequency). This sequence change replaces glycine, which is neutral and non-polar, with arginine, which is basic and polar, at codon 1730 of the DICER1 protein (p.Gly1730Arg).

Ambry Genetics
Classification: Uncertain significance for Hereditary cancer-predisposing syndrome. Last evaluated: 2018-04-11. Review status: criteria provided, single submitter. Criteria: Ambry Variant Classification Scheme 2023. Collection method: clinical testing. Allele origin: germline.
Comment: The p.G1730R variant (also known as c.5188G>C), located in coding exon 23 of the DICER1 gene, results from a G to C substitution at nucleotide position 5188. The glycine at codon 1730 is replaced by arginine, an amino acid with dissimilar properties. This amino acid position is highly conserved in available vertebrate species. In addition, this alteration is predicted to be deleterious by in silico analysis. Since supporting evidence is limited at this time, the clinical significance of this alteration remains unclear.

NM_177438.3(DICER1):c.5188G>C (p.Gly1730Arg)

Gene: DICER1 (dicer 1, ribonuclease III; minus strand). Cytogenetic location: 14q32.13.
Variant type: single nucleotide variant.
Coding change: c.5188G>C on transcript NM_177438.3 (MANE Select); coding-DNA position 5188, G replaced by C.
Protein change: p.Gly1730Arg; replaces glycine 1730 with arginine.
Molecular consequence: missense variant.
Genome position (GRCh38, 1-based): chr14:95,094,064, C>G on the plus strand (G>C on the coding strand, the complement: DICER1 is on the minus strand). VCF-style: chr14-95094064-C-G. GRCh37 (hg19) VCF-style: chr14-95560401-C-G.
Other names: c.5188G>C, p.Gly1730Arg (NM_001195573.1, NM_001271282.3, NM_001291628.2 and 1 more transcripts); short protein forms G1730R.
Identifiers: ClinVar variation 825519 (VCV000825519.7), dbSNP rs1595330675, ClinGen allele CA390865251.
Genomic context (GRCh38, chr14:95,094,064, plus strand): 5'-CAGCCAGCGATGCAAAGATGGTGTTGTTGACCAGGGCAGACCGCAGGTCTGTCAGGACCC[C>G]CGGGGAGTGCTGCCGCGGGTCTTCATAAAGGTGCTTGGTTATGAGGTAGTCCAAAATCGC-3'
Protein context (NP_803187.1, residues 1720-1740): LYEDPRQHSP[Gly1730Arg]VLTDLRSALV